The following is an entry in ClinVar:

ClinVar aggregate classification (germline): Pathogenic (1 of 4 stars; one submission).

Submission:

Labcorp Genetics (formerly Invitae), Labcorp
Classification: Pathogenic. Last evaluated: 2024-02-24. Review status: criteria provided, single submitter. Criteria: Invitae Variant Classification Sherloc (09022015). Collection method: clinical testing. Allele origin: germline.
Comment: This sequence change creates a premature translational stop signal (p.Arg177Leufs*38) in the DLL3 gene. It is expected to result in an absent or disrupted protein product. Loss-of-function variants in DLL3 are known to be pathogenic (PMID: 12746394). The frequency data for this variant in the population databases is considered unreliable, as metrics indicate poor data quality at this position in the gnomAD database. This variant has not been reported in the literature in individuals affected with DLL3-related conditions. For these reasons, this variant has been classified as Pathogenic.

Literature cited by the submitters: PubMed 12746394.

NM_203486.3(DLL3):c.530_531del (p.Arg177fs)

Genes: DLL3 (delta like canonical Notch ligand 3; plus strand), LOC130064417 (ATAC-STARR-seq lymphoblastoid silent region 10608; plus strand). Cytogenetic location: 19q13.2.
Variant type: Microsatellite.
Coding change: c.530_531del on transcript NM_203486.3 (MANE Select); coding-DNA positions 530 to 531, 2 bases deleted (GC; older notation c.530_531delGC).
Protein change: p.Arg177fs; shifts the reading frame from arginine 177.
Molecular consequence: frameshift variant.
Genome position (GRCh38, 1-based): chr19:39,502,935-39,502,936, GC deleted; deleting any 2 consecutive bases within chr19:39,502,928-39,502,936 gives the same sequence; the c. name uses the placement nearest the transcript's 3' end. VCF-style (leftmost placement, unchanged base first): chr19-39502927-CCG-C. GRCh37 (hg19) VCF-style: chr19-39993567-CCG-C.
Other names: c.530_531del, p.Arg177fs (NM_016941.4); short protein forms R177fs.
Identifiers: ClinVar variation 1457773 (VCV001457773.6), dbSNP rs1271691132, ClinGen allele CA633132563.